The following is an entry in ClinVar:

ClinVar aggregate classification (germline): Uncertain significance (1 of 4 stars; one submission).

gnomAD v4.1: 8 of 1,613,652 alleles (0.0005%); highest among the groups gnomAD compares: Admixed American, 0.0083%; no homozygotes.

Submission:

Mayo Clinic Laboratories, Mayo Clinic
Classification: Uncertain significance. Last evaluated: 2025-01-01. Review status: criteria provided, single submitter. Criteria: ACMG Guidelines, 2015. Collection method: clinical testing. Allele origin: germline. Observed: 1 variant allele.
Comment: BP4

NM_000426.4(LAMA2):c.5142G>C (p.Leu1714Phe)

Gene: LAMA2 (laminin subunit alpha 2; plus strand). Cytogenetic location: 6q22.33.
Variant type: single nucleotide variant.
Coding change: c.5142G>C on transcript NM_000426.4 (MANE Select); coding-DNA position 5142, G replaced by C.
Protein change: p.Leu1714Phe; replaces leucine 1714 with phenylalanine.
Molecular consequence: missense variant.
Genome position (GRCh38, 1-based): chr6:129,391,561, G>C. VCF-style: chr6-129391561-G-C. GRCh37 (hg19) VCF-style: chr6-129712706-G-C.
Other names: p.Leu1714Phe; c.5142G>C, p.Leu1714Phe (NM_001079823.2); short protein forms L1714F.
Identifiers: ClinVar variation 4541216 (VCV004541216.1).